The following is an entry in ClinVar:

ClinVar aggregate classification (germline): Conflicting classifications of pathogenicity. Review status: criteria provided, conflicting classifications (1 of 4 stars). 2 submissions from 2 submitters: Likely pathogenic (1); Uncertain significance (1). Last evaluated 2019-01-01.

Conditions:
Ichthyosis vulgaris. Also called: Dominant ichthyosis vulgaris; ICHTHYOSIS SIMPLEX. Identifiers: MedGen C0079584, MONDO:0024304, OMIM 146700.

Allele frequency attached by ClinVar (database versions not stated): gnomAD 0.00001; ExAC 0.00002; gnomAD exomes 0.00002.
gnomAD v4.1: 7 of 1,613,590 alleles (0.00043%); highest among the groups gnomAD compares: Non-Finnish European, 0.00051%; no homozygotes.

Submissions (2):

Institute of Human Genetics, University of Leipzig Medical Center
Classification: Uncertain significance for Ichthyosis vulgaris. Last evaluated: 2019-01-01. Review status: criteria provided, single submitter. Criteria: ACMG Guidelines, 2015. Collection method: clinical testing. Allele origin: unknown. Affected: yes.

Molecular Genetics Department, Kulakov National Medical Research Center for Obstetrics, Gynecology and Perinatology
Classification: Likely pathogenic for Ichthyosis vulgaris. Review status: criteria provided, single submitter. Criteria: ACMG Guidelines, 2015. Collection method: clinical testing. Allele origin: germline. Affected: yes. Observed: 1 variant allele.
Comment: A previously undescribed heterozygous nucleotide variant creates a premature translation stop signal p.Gly1826Ter in the FLG gene (rs760904028). Homozygous and compound heterozygous variants are reported in patients with ichthyosis vulgaris, 146700. The variant is not present in population database (gnomAD no frequency). In summary, the currently available evidence indicates that the variant is pathogenic, but additional data are needed to prove that conclusively. Therefore, this variant has been classified as likely pathogenic.

NM_002016.2(FLG):c.5476G>T (p.Gly1826Ter)

Genes: FLG (filaggrin; minus strand), CCDST (cervical cancer associated DHX9 suppressive transcript; plus strand). Cytogenetic location: 1q21.3.
Variant type: single nucleotide variant.
Coding change: c.5476G>T on transcript NM_002016.2 (MANE Select); coding-DNA position 5476, G replaced by T.
Protein change: p.Gly1826Ter; replaces glycine 1826 with a stop codon.
Molecular consequence: nonsense.
Genome position (GRCh38, 1-based): chr1:152,309,410, C>A on the plus strand (G>T on the coding strand, the complement: FLG is on the minus strand). VCF-style: chr1-152309410-C-A. GRCh37 (hg19) VCF-style: chr1-152281886-C-A.
Other names: short protein forms G1826*.
Identifiers: ClinVar variation 982674 (VCV000982674.2), dbSNP rs760904028, ClinGen allele CA1105746.
Genomic context (GRCh38, chr1:152,309,410, plus strand): 5'-TGTGGCTGTGATGAGACCCTGAGTGTCCAGAACTATCTACCGATTGCTCATAGTGGGATC[C>A]CTGCCTTCCTCCTCTGCTTGACCCTGGGTGTCCACGAATGGTGTCCTGACCCTCTTGGGA-3'